The following is an entry in ClinVar:

NM_025103.4(IFT74):c.791A>C (p.Glu264Ala)

Gene: IFT74 (intraflagellar transport 74; plus strand). Cytogenetic location: 9p21.2.
Variant type: single nucleotide variant.
Coding change: c.791A>C on transcript NM_025103.4 (MANE Select); coding-DNA position 791, A replaced by C.
Protein change: p.Glu264Ala; replaces glutamic acid 264 with alanine.
Molecular consequence: missense variant.
Genome position (GRCh38, 1-based): chr9:27,016,908, A>C. VCF-style: chr9-27016908-A-C. GRCh37 (hg19) VCF-style: chr9-27016906-A-C.
Other names: c.791A>C, p.Glu264Ala (NM_001099222.3, NM_001099223.3, NM_001099224.3 and 1 more transcripts); short protein forms E264A.
Identifiers: ClinVar variation 2115237 (VCV002115237.4), dbSNP rs376975048, ClinGen allele CA5015408.

ClinVar aggregate classification (germline): Uncertain significance (1 of 4 stars; one submission).

Allele frequency attached by ClinVar (database versions not stated): ExAC 0.00002; ESP Exome Variant Server 0.00009.

Submission:

Labcorp Genetics (formerly Invitae), Labcorp
Classification: Uncertain significance. Last evaluated: 2024-04-16. Review status: criteria provided, single submitter. Criteria: Invitae Variant Classification Sherloc (09022015). Collection method: clinical testing. Allele origin: germline.
Comment: This sequence change replaces glutamic acid, which is acidic and polar, with alanine, which is neutral and non-polar, at codon 264 of the IFT74 protein (p.Glu264Ala). This variant is present in population databases (rs376975048, gnomAD 0.01%). This variant has not been reported in the literature in individuals affected with IFT74-related conditions. ClinVar contains an entry for this variant (Variation ID: 2115237). An algorithm developed to predict the effect of missense changes on protein structure and function (PolyPhen-2) suggests that this variant is likely to be tolerated. In summary, the available evidence is currently insufficient to determine the role of this variant in disease. Therefore, it has been classified as a Variant of Uncertain Significance.